The following is an entry in ClinVar:

ClinVar aggregate classification (germline): Likely benign (1 of 4 stars; one submission).

Conditions:
ATP1A1-related disorder. Also called: ATP1A1-related condition.

Submission:

PreventionGenetics, part of Exact Sciences
Classification: Likely benign for ATP1A1-related condition. Last evaluated: 2026-05-27. Review status: criteria provided, single submitter. Criteria: ACMG Guidelines, 2015. Collection method: clinical testing. Allele origin: germline.
Comment: This variant is classified as likely benign based on ACMG/AMP sequence variant interpretation guidelines (Richards et al. 2015 PMID: 25741868, with internal and published modifications).

NM_000701.8(ATP1A1):c.1629G>A (p.Leu543=)

Genes: ATP1A1 (ATPase Na+/K+ transporting subunit alpha 1; plus strand), ATP1A1-AS1 (ATP1A1 antisense RNA 1; minus strand). Cytogenetic location: 1p13.1.
Variant type: single nucleotide variant.
Coding change: c.1629G>A on transcript NM_000701.8 (MANE Select); coding-DNA position 1629, G replaced by A.
Protein change: p.Leu543=; no amino-acid change (leucine 543 retained).
Molecular consequence: synonymous variant.
Genome position (GRCh38, 1-based): chr1:116,393,692, G>A. VCF-style: chr1-116393692-G-A. GRCh37 (hg19) VCF-style: chr1-116936314-G-A.
Other names: c.1629G>A, p.Leu543= (NM_001160233.2); c.1536G>A, p.Leu512= (NM_001160234.2).
Identifiers: ClinVar variation 4996200 (VCV004996200.1).
Genomic context (GRCh38, chr1:116,393,692, plus strand): 5'-CCACGGCAAGGAGCAGCCCCTGGATGAGGAGCTGAAAGACGCCTTTCAGAACGCCTATTT[G>A]GAGCTGGGGGGCCTCGGAGAACGAGTCCTAGGTATGCAGATAACCTGGTAACAGAGTGCC-3'
Protein context (NP_000692.2, residues 533-553): ELKDAFQNAY[Leu543=]ELGGLGERVL